The following is an entry in ClinVar:

ClinVar aggregate classification (germline): Uncertain significance. Review status: criteria provided, multiple submitters, no conflicts (2 of 4 stars). 3 submissions from 3 submitters: Uncertain significance (3). Last evaluated 2025-07-28.

Conditions:
Arrhythmogenic right ventricular dysplasia 11. Also called: Arrhythmogenic right ventricular dysplasia 11 with mild palmoplantar keratoderma and woolly hair; Arrhythmogenic Right Ventricular Dysplasia/Cardiomyopathy11; ARRHYTHMOGENIC RIGHT VENTRICULAR DYSPLASIA, FAMILIAL, 11. Identifiers: MedGen C1864850, MONDO:0012506, OMIM 610476.
Cardiovascular phenotype. Identifiers: MedGen CN230736.

Allele frequency attached by ClinVar (database versions not stated): ExAC 0.00001; gnomAD 0.00001; 1000 Genomes Project 0.00020; gnomAD exomes below 0.00001; 1000 Genomes Project 30x 0.00031.

Submissions (3):

Ambry Genetics
Classification: Uncertain significance for Cardiovascular phenotype. Last evaluated: 2025-07-28. Review status: criteria provided, single submitter. Criteria: Ambry Variant Classification Scheme 2023. Collection method: clinical testing. Allele origin: germline.
Comment: The p.P442S variant (also known as c.1324C>T), located in coding exon 10 of the DSC2 gene, results from a C to T substitution at nucleotide position 1324. The proline at codon 442 is replaced by serine, an amino acid with similar properties. This amino acid position is conserved. In addition, this alteration is predicted to be tolerated by in silico analysis. Since supporting evidence is limited at this time, the clinical significance of this alteration remains unclear.

Women's Health and Genetics/Laboratory Corporation of America, LabCorp
Classification: Uncertain significance. Last evaluated: 2023-08-19. Review status: criteria provided, single submitter. Criteria: LabCorp Variant Classification Summary - May 2015. Collection method: clinical testing. Allele origin: germline.

Labcorp Genetics (formerly Invitae), Labcorp
Classification: Uncertain significance for Arrhythmogenic right ventricular dysplasia 11. Last evaluated: 2023-08-16. Review status: criteria provided, single submitter. Criteria: Invitae Variant Classification Sherloc (09022015). Collection method: clinical testing. Allele origin: germline.
Comment: ClinVar contains an entry for this variant (Variation ID: 663976). This variant has not been reported in the literature in individuals affected with DSC2-related conditions. This variant is present in population databases (rs201480399, gnomAD 0.003%). This sequence change replaces proline, which is neutral and non-polar, with serine, which is neutral and polar, at codon 442 of the DSC2 protein (p.Pro442Ser). Advanced modeling of protein sequence and biophysical properties (such as structural, functional, and spatial information, amino acid conservation, physicochemical variation, residue mobility, and thermodynamic stability) has been performed at Invitae for this missense variant, however the output from this modeling did not meet the statistical confidence thresholds required to predict the impact of this variant on DSC2 protein function. In summary, the available evidence is currently insufficient to determine the role of this variant in disease. Therefore, it has been classified as a Variant of Uncertain Significance. Algorithms developed to predict the effect of sequence changes on RNA splicing suggest that this variant may create or strengthen a splice site.

NM_024422.6(DSC2):c.1324C>T (p.Pro442Ser)

Gene: DSC2 (desmocollin 2; minus strand). Cytogenetic location: 18q12.1.
Variant type: single nucleotide variant.
Coding change: c.1324C>T on transcript NM_024422.6 (MANE Select); coding-DNA position 1324, C replaced by T.
Protein change: p.Pro442Ser; replaces proline 442 with serine.
Molecular consequence: missense variant.
Genome position (GRCh38, 1-based): chr18:31,080,292, G>A on the plus strand (C>T on the coding strand, the complement: DSC2 is on the minus strand). VCF-style: chr18-31080292-G-A. GRCh37 (hg19) VCF-style: chr18-28660258-G-A.
Other names: c.1324C>T, p.Pro442Ser (NM_004949.5); c.1324C>T (NM_024422.3); short protein forms P442S.
Identifiers: ClinVar variation 663976 (VCV000663976.12), dbSNP rs201480399, ClinGen allele CA030973.
Genomic context (GRCh38, chr18:31,080,292, plus strand): 5'-CATTAACAGTAACTGTTGCTGTGCTCATGGCTGATCTTGGACTAGCCTCTCTGGAAAATG[G>A]AGCTTCATTAACTACACCAATTTGCAAGATCATCTGTTGCTTTTCTTCATAATTCAAAGG-3'
Protein context (NP_077740.1, residues 432-452): ILQIGVVNEA[Pro442Ser]FSREASPRSA